The following is an entry in ClinVar:

NM_032553.3(GPR174):c.423C>T (p.Gly141=)

Gene: GPR174 (G protein-coupled receptor 174; plus strand). Cytogenetic location: Xq21.1.
Variant type: single nucleotide variant.
Coding change: c.423C>T on transcript NM_032553.3 (MANE Select); coding-DNA position 423, C replaced by T.
Protein change: p.Gly141=; no amino-acid change (glycine 141 retained).
Molecular consequence: synonymous variant.
Genome position (GRCh38, 1-based): chrX:79,171,430, C>T. VCF-style: chrX-79171430-C-T. GRCh37 (hg19) VCF-style: chrX-78426927-C-T.
Identifiers: ClinVar variation 753511 (VCV000753511.5), dbSNP rs748076644, ClinGen allele CA10460864.

ClinVar aggregate classification (germline): Likely benign. Review status: criteria provided, single submitter (1 of 4 stars). 2 submissions from 2 submitters: Likely benign (1). 1 of the submissions does not count toward it. Last evaluated 2018-06-15.

Conditions:
GPR174-related disorder. Also called: GPR174-related condition.

Allele frequency attached by ClinVar (database versions not stated): TOPMed 0.00007; gnomAD 0.00011 and 0.00013.

Submissions (2):

Labcorp Genetics (formerly Invitae), Labcorp
Classification: Likely benign. Last evaluated: 2018-06-15. Review status: criteria provided, single submitter. Criteria: Invitae Variant Classification Sherloc (09022015). Collection method: clinical testing. Allele origin: germline.

PreventionGenetics, part of Exact Sciences
Classification: Likely benign for GPR174-related condition. Last evaluated: 2019-02-22. Review status: no assertion criteria provided. Collection method: clinical testing. Allele origin: germline. Not counted in ClinVar's aggregate classification.
Comment: This variant is classified as likely benign based on ACMG/AMP sequence variant interpretation guidelines (Richards et al. 2015 PMID: 25741868, with internal and published modifications).